The following is an entry in ClinVar:

NM_001171.6(ABCC6):c.1233_1234delinsCG (p.Leu412Val)

Gene: ABCC6 (ATP binding cassette subfamily C member 6; minus strand). Cytogenetic location: 16p13.11.
Variant type: Indel.
Coding change: c.1233_1234delinsCG on transcript NM_001171.6 (MANE Select); coding-DNA positions 1233 to 1234, TC replaced by CG.
Protein change: p.Leu412Val; replaces leucine 412 with valine.
Molecular consequence: missense variant. On other transcripts: non-coding transcript variant (1).
Genome position (GRCh38, 1-based): chr16:16,198,125-16,198,126, GA replaced by CG on the plus strand (TC replaced by CG on the coding strand, the reverse complement: ABCC6 is on the minus strand). VCF-style: chr16-16198125-GA-CG. GRCh37 (hg19) VCF-style: chr16-16291982-GA-CG.
Other names: c.891_892delinsCG, p.Leu298Val (NM_001351800.1); short protein forms L298V, L412V.
Identifiers: ClinVar variation 2001298 (VCV002001298.4), dbSNP rs2511036578, ClinGen allele CA2580090790.

ClinVar aggregate classification (germline): Uncertain significance (1 of 4 stars; one submission).

Submission:

Labcorp Genetics (formerly Invitae), Labcorp
Classification: Uncertain significance. Last evaluated: 2022-05-31. Review status: criteria provided, single submitter. Criteria: Invitae Variant Classification Sherloc (09022015). Collection method: clinical testing. Allele origin: germline.
Comment: This variant has not been reported in the literature in individuals affected with ABCC6-related conditions. Information on the frequency of this variant in the gnomAD database is not available, as this variant may be reported differently in the database. This sequence change replaces leucine, which is neutral and non-polar, with valine, which is neutral and non-polar, at codon 412 of the ABCC6 protein (p.Leu412Val). In summary, the available evidence is currently insufficient to determine the role of this variant in disease. Therefore, it has been classified as a Variant of Uncertain Significance. Experimental studies and prediction algorithms are not available or were not evaluated, and the functional significance of this variant is currently unknown.